The following is an entry in ClinVar:

ClinVar aggregate classification (germline): Likely benign. Review status: criteria provided, multiple submitters, no conflicts (2 of 4 stars). 3 submissions from 3 submitters: Likely benign (3). Last evaluated 2025-07-09.

Conditions:
RYR1-related disorder. Also called: RYR1-related condition; RYR1-related disorders. Identifiers: MedGen CN239331.
Malignant hyperthermia, susceptibility to, 1 (MHS1). Also called: Anesthesia related hyperthermia; Malignant hyperpyrexia; Fulminating hyperpyrexia; Pharmacogenic myopathy; Malignant hyperthermia suceptibility 1; RYR1-Related Malignant Hyperthermia Susceptibility. Identifiers: Orphanet 423, MedGen C2930980, MONDO:0007783, OMIM 145600.

Allele frequency attached by ClinVar (database versions not stated): ESP Exome Variant Server 0.00008; gnomAD 0.00003 and 0.00004; TOPMed 0.00005.
gnomAD v4.1: 25 of 1,613,966 alleles (0.0015%); highest among the groups gnomAD compares: East Asian, 0.02%; no homozygotes.

Submissions (3):

Labcorp Genetics (formerly Invitae), Labcorp
Classification: Likely benign for RYR1-related disorder. Last evaluated: 2025-07-09. Review status: criteria provided, single submitter. Criteria: Invitae Variant Classification Sherloc (09022015). Collection method: clinical testing. Allele origin: germline.

All of Us Research Program, National Institutes of Health
Classification: Likely benign for Malignant hyperthermia, susceptibility to, 1. Last evaluated: 2024-01-11. Review status: criteria provided, single submitter. Criteria: ACMG Guidelines, 2015. Collection method: clinical testing. Allele origin: germline. Inheritance: Autosomal dominant inheritance. Observed: 5 variant alleles, 5 heterozygotes.
Comment: This study involves interpretation of variants in research participants for the purpose of population health screening. Participant phenotype was not available at the time of variant classification. Additional details can be found in publication PMID: 35346344, PMCID: PMC8962531

Color Diagnostics, LLC DBA Color Health
Classification: Likely benign for Malignant hyperthermia, susceptibility to, 1. Last evaluated: 2022-11-06. Review status: criteria provided, single submitter. Criteria: ACMG Guidelines, 2015. Collection method: clinical testing. Allele origin: germline.

NM_000540.3(RYR1):c.6177G>A (p.Leu2059=)

Gene: RYR1 (ryanodine receptor 1; plus strand). Cytogenetic location: 19q13.2.
Variant type: single nucleotide variant.
Coding change: c.6177G>A on transcript NM_000540.3 (MANE Select); coding-DNA position 6177, G replaced by A.
Protein change: p.Leu2059=; no amino-acid change (leucine 2059 retained).
Molecular consequence: synonymous variant.
Genome position (GRCh38, 1-based): chr19:38,492,539, G>A. VCF-style: chr19-38492539-G-A. GRCh37 (hg19) VCF-style: chr19-38983179-G-A.
Other names: c.6177G>A, p.Leu2059= (NM_001042723.2).
Identifiers: ClinVar variation 697772 (VCV000697772.11), dbSNP rs374092732, ClinGen allele CA067846.